The following is an entry in ClinVar:

NM_001005388.3(NFASC):c.2398C>T (p.Arg800Ter)

Gene: NFASC (neurofascin; plus strand). Cytogenetic location: 1q32.1.
Variant type: single nucleotide variant.
Coding change: c.2398C>T on transcript NM_001005388.3 (MANE Select); coding-DNA position 2398, C replaced by T.
Protein change: p.Arg800Ter; replaces arginine 800 with a stop codon.
Molecular consequence: nonsense.
Genome position (GRCh38, 1-based): chr1:204,981,948, C>T. VCF-style: chr1-204981948-C-T. GRCh37 (hg19) VCF-style: chr1-204951076-C-T.
Other names: c.2431C>T, p.Arg811Ter (NM_001160331.2); c.2386C>T, p.Arg796Ter (NM_001160332.2, NM_001365986.1, NM_015090.4); c.2398C>T, p.Arg800Ter (NM_001378329.1); short protein forms R800*, R811*, R796*.
Identifiers: ClinVar variation 1030402 (VCV001030402.1), dbSNP rs758701595, ClinGen allele CA1350263.

ClinVar aggregate classification (germline): Likely pathogenic (1 of 4 stars; one submission).

Conditions:
Neurodevelopmental disorder with central and peripheral motor dysfunction. Identifiers: MedGen C5193049, MONDO:0032698, OMIM 618356.

Allele frequency attached by ClinVar (database versions not stated): ExAC 0.00001.
gnomAD v4.1: 2 of 1,607,782 alleles (0.00012%); highest among the groups gnomAD compares: Non-Finnish European, 0.00017%; no homozygotes.

Submission:

Baylor Genetics
Classification: Likely pathogenic for Neurodevelopmental disorder with central and peripheral motor dysfunction. Last evaluated: 2020-08-21. Review status: criteria provided, single submitter. Criteria: ACMG Guidelines, 2015. Collection method: clinical testing. Allele origin: unknown. Affected: yes.
Comment: This variant was determined to be likely pathogenic according to ACMG Guidelines, 2015 [PMID:25741868].